The following is an entry in ClinVar:

NM_001384474.1(LOXHD1):c.6357_6358del (p.Cys2119_Asp2120delinsTer)

Gene: LOXHD1 (lipoxygenase homology PLAT domains 1; minus strand). Cytogenetic location: 18q21.1.
Variant type: Microsatellite.
Coding change: c.6357_6358del on transcript NM_001384474.1 (MANE Select); coding-DNA positions 6357 to 6358, 2 bases deleted (TG; older notation c.6357_6358delTG).
Protein change: p.Cys2119_Asp2120delinsTer.
Molecular consequence: nonsense.
Genome position (GRCh38, 1-based): chr18:46,477,936-46,477,937, CA deleted on the plus strand (TG on the coding strand, the reverse complement: LOXHD1 is on the minus strand); deleting any 2 consecutive bases within chr18:46,477,936-46,477,939 gives the same sequence; the c. name uses the placement nearest the transcript's 3' end. VCF-style (leftmost placement, unchanged base first): chr18-46477935-TCA-T. GRCh37 (hg19) VCF-style: chr18-44057898-TCA-T.
Other names: c.3024_3025del, p.Cys1008_Asp1009delinsTer (NM_001145472.3); c.1074_1075del, p.Cys358_Asp359delinsTer (NM_001145473.3, NM_001173129.2); c.2736_2737del, p.Cys912_Asp913delinsTer (NM_001308013.2); c.6171_6172del, p.Cys2057_Asp2058delinsTer (NM_144612.7).
Identifiers: ClinVar variation 3633036 (VCV003633036.2).

ClinVar aggregate classification (germline): Pathogenic (1 of 4 stars; one submission).

Submission:

Labcorp Genetics (formerly Invitae), Labcorp
Classification: Pathogenic. Last evaluated: 2024-02-12. Review status: criteria provided, single submitter. Criteria: Invitae Variant Classification Sherloc (09022015). Collection method: clinical testing. Allele origin: germline.
Comment: This sequence change creates a premature translational stop signal (p.Cys2057*) in the LOXHD1 gene. While this is not anticipated to result in nonsense mediated decay, it is expected to disrupt the last 155 amino acid(s) of the LOXHD1 protein. This variant is not present in population databases (gnomAD no frequency). This variant has not been reported in the literature in individuals affected with LOXHD1-related conditions. This variant disrupts a region of the LOXHD1 protein in which other variant(s) (p.Thr2123Argfs*30) have been determined to be pathogenic (PMID: 34171171; Invitae). This suggests that this is a clinically significant region of the protein, and that variants that disrupt it are likely to be disease-causing. For these reasons, this variant has been classified as Pathogenic.

Literature cited by the submitters: PubMed 34171171.